The following is an entry in ClinVar:

ClinVar aggregate classification (germline): Uncertain significance (1 of 4 stars; one submission).

Conditions:
Congenital myasthenic syndrome 8. Also called: MYASTHENIC SYNDROME, CONGENITAL, DUE TO AGRIN DEFICIENCY; Myasthenic syndrome, congenital, 8, with pre- and postsynaptic defects. Identifiers: Orphanet 590, MedGen C3808739, MONDO:0014052, OMIM 615120.

Allele frequency attached by ClinVar (database versions not stated): gnomAD 0.00005; ESP Exome Variant Server 0.00008; gnomAD exomes 0.00003; TOPMed 0.00003; ExAC 0.00004.
gnomAD v4.1: 94 of 1,612,960 alleles (0.0058%); highest among the groups gnomAD compares: Non-Finnish European, 0.0069%; no homozygotes.

Submission:

Labcorp Genetics (formerly Invitae), Labcorp
Classification: Uncertain significance for Congenital myasthenic syndrome 8. Last evaluated: 2023-06-30. Review status: criteria provided, single submitter. Criteria: Invitae Variant Classification Sherloc (09022015). Collection method: clinical testing. Allele origin: germline.
Comment: In summary, the available evidence is currently insufficient to determine the role of this variant in disease. Therefore, it has been classified as a Variant of Uncertain Significance. Algorithms developed to predict the effect of missense changes on protein structure and function output the following: SIFT: "Not Available"; PolyPhen-2: "Benign"; Align-GVGD: "Not Available". The leucine amino acid residue is found in multiple mammalian species, which suggests that this missense change does not adversely affect protein function. ClinVar contains an entry for this variant (Variation ID: 939059). This variant has not been reported in the literature in individuals affected with AGRN-related conditions. This variant is present in population databases (rs368849231, gnomAD 0.007%). This sequence change replaces serine, which is neutral and polar, with leucine, which is neutral and non-polar, at codon 1628 of the AGRN protein (p.Ser1628Leu).

NM_198576.4(AGRN):c.4883C>T (p.Ser1628Leu)

Gene: AGRN (agrin; plus strand). Cytogenetic location: 1p36.33.
Variant type: single nucleotide variant.
Coding change: c.4883C>T on transcript NM_198576.4 (MANE Select); coding-DNA position 4883, C replaced by T.
Protein change: p.Ser1628Leu; replaces serine 1628 with leucine.
Molecular consequence: missense variant.
Genome position (GRCh38, 1-based): chr1:1,050,236, C>T. VCF-style: chr1-1050236-C-T. GRCh37 (hg19) VCF-style: chr1-985616-C-T.
Other names: c.4883C>T, p.Ser1628Leu (NM_001305275.2); c.4568C>T, p.Ser1523Leu (NM_001364727.2); short protein forms S1523L, S1628L.
Identifiers: ClinVar variation 939059 (VCV000939059.8), dbSNP rs368849231, ClinGen allele CA509755.